The following is an entry in ClinVar:

NM_004336.5(BUB1):c.1154C>A (p.Pro385His)

Gene: BUB1 (BUB1 mitotic checkpoint serine/threonine kinase; minus strand). Cytogenetic location: 2q13.
Variant type: single nucleotide variant.
Coding change: c.1154C>A on transcript NM_004336.5 (MANE Select); coding-DNA position 1154, C replaced by A.
Protein change: p.Pro385His; replaces proline 385 with histidine.
Molecular consequence: missense variant.
Genome position (GRCh38, 1-based): chr2:110,661,645, G>T on the plus strand (C>A on the coding strand, the complement: BUB1 is on the minus strand). VCF-style: chr2-110661645-G-T. GRCh37 (hg19) VCF-style: chr2-111419222-G-T.
Other names: c.1094C>A, p.Pro365His (NM_001278616.2); c.1154C>A, p.Pro385His (NM_001278617.2); short protein forms P365H, P385H.
Identifiers: ClinVar variation 3262173 (VCV003262173.1).

ClinVar aggregate classification (germline): Uncertain significance (1 of 4 stars; one submission).

gnomAD v4.1: 1 of 1,614,222 alleles (0.000062%); highest among the groups gnomAD compares: African/African-American, 0.0013%; no homozygotes.

Submission:

Ambry Genetics
Classification: Uncertain significance. Last evaluated: 2024-06-10. Review status: criteria provided, single submitter. Criteria: Ambry Variant Classification Scheme 2023. Collection method: clinical testing. Allele origin: germline.
Comment: The p.P385H variant (also known as c.1154C>A), located in coding exon 10 of the BUB1 gene, results from a C to A substitution at nucleotide position 1154. The proline at codon 385 is replaced by histidine, an amino acid with similar properties. This amino acid position is conserved. In addition, this alteration is predicted to be tolerated by in silico analysis. Based on the available evidence, the clinical significance of this variant remains unclear.